The following is an entry in ClinVar:

ClinVar aggregate classification (germline): Likely pathogenic (1 of 4 stars; one submission).

Conditions:
USP9X-related disorder. Also called: USP9X-related condition.

Submission:

PreventionGenetics, part of Exact Sciences
Classification: Likely pathogenic for USP9X-related condition. Last evaluated: 2025-08-25. Review status: criteria provided, single submitter. Criteria: ACMG Guidelines, 2015. Collection method: clinical testing. Allele origin: germline.
Comment: The USP9X c.247C>T variant is predicted to result in premature protein termination (p.Arg83*). This variant has been reported as a heterozygous likely pathogenic variant in the literature in an individual with a neurodevelopmental disorder (Moosa et al. 2022. PubMed ID: 35616356). This variant has not been reported in a large population database, indicating this variant is rare. Nonsense variants in USP9X are expected to be pathogenic. This variant is interpreted as likely pathogenic.

NM_001039591.3(USP9X):c.247C>T (p.Arg83Ter)

Gene: USP9X (ubiquitin specific peptidase 9 X-linked; plus strand). Cytogenetic location: Xp11.4.
Variant type: single nucleotide variant.
Coding change: c.247C>T on transcript NM_001039591.3 (MANE Select); coding-DNA position 247, C replaced by T.
Protein change: p.Arg83Ter; replaces arginine 83 with a stop codon.
Molecular consequence: nonsense.
Genome position (GRCh38, 1-based): chrX:41,131,461, C>T. VCF-style: chrX-41131461-C-T. GRCh37 (hg19) VCF-style: chrX-40990714-C-T.
Other names: c.247C>T, p.Arg83Ter (NM_001039590.3, NM_001410748.1, NM_001410749.1); short protein forms R83*.
Identifiers: ClinVar variation 3345066 (VCV003345066.2).